The following is an entry in ClinVar:

NM_000245.4(MET):c.2698C>G (p.Leu900Val)

Gene: MET (MET proto-oncogene, receptor tyrosine kinase; plus strand). Cytogenetic location: 7q31.2.
Variant type: single nucleotide variant.
Coding change: c.2698C>G on transcript NM_000245.4 (MANE Select); coding-DNA position 2698, C replaced by G.
Protein change: p.Leu900Val; replaces leucine 900 with valine.
Molecular consequence: missense variant.
Genome position (GRCh38, 1-based): chr7:116,769,759, C>G. VCF-style: chr7-116769759-C-G. GRCh37 (hg19) VCF-style: chr7-116409813-C-G.
Other names: c.2698C>G, p.Leu900Val (NM_001324401.3); c.1408C>G, p.Leu470Val (NM_001324402.2); c.2752C>G, p.Leu918Val (NM_001127500.3); c.2752C>G (NM_001127500.2); short protein forms L900V, L918V, L470V.
Identifiers: ClinVar variation 853915 (VCV000853915.12), dbSNP rs1398243931, ClinGen allele CA368985772.

ClinVar aggregate classification (germline): Conflicting classifications of pathogenicity. Review status: criteria provided, conflicting classifications (1 of 4 stars). 4 submissions from 4 submitters: Uncertain significance (2); Likely benign (1). 1 of the submissions does not count toward it. Last evaluated 2026-01-07.

Conditions:
Hereditary cancer-predisposing syndrome. Also called: Neoplastic Syndromes, Hereditary; Hereditary Cancer Syndrome; Tumor predisposition; Hereditary neoplastic syndrome. Identifiers: Orphanet 140162, MedGen C0027672, MeSH D009386, MONDO:0015356.
Renal cell carcinoma. Identifiers: Orphanet 217071, MedGen C0007134, MeSH D002292, MONDO:0005086, HP:0005584.
Autosomal recessive nonsyndromic hearing loss 97. Also called: Deafness, autosomal recessive 97. Identifiers: Orphanet 90636, MedGen C4084709, MONDO:0014739, OMIM 616705.
Ovarian cancer. Also called: OVARIAN CANCER, SOMATIC. Identifiers: Orphanet 213500, MedGen C1140680, MONDO:0008170, OMIM 167000.

Allele frequency attached by ClinVar (database versions not stated): TOPMed below 0.00001; gnomAD 0.00001; gnomAD exomes 0.00001.
gnomAD v4.1: 5 of 1,613,664 alleles (0.00031%); highest among the groups gnomAD compares: East Asian, 0.011%; no homozygotes.

Submissions (4):

Labcorp Genetics (formerly Invitae), Labcorp
Classification: Uncertain significance for Renal cell carcinoma. Last evaluated: 2026-01-07. Review status: criteria provided, single submitter. Criteria: Invitae Variant Classification Sherloc (09022015). Collection method: clinical testing. Allele origin: germline.
Comment: This sequence change replaces leucine, which is neutral and non-polar, with valine, which is neutral and non-polar, at codon 918 of the MET protein (p.Leu918Val). This variant is present in population databases (no rsID available, gnomAD 0.02%). This variant has not been reported in the literature in individuals affected with MET-related conditions. ClinVar contains an entry for this variant (Variation ID: 853915). Invitae Evidence Modeling of protein sequence and biophysical properties (such as structural, functional, and spatial information, amino acid conservation, physicochemical variation, residue mobility, and thermodynamic stability) indicates that this missense variant is not expected to disrupt MET protein function with a negative predictive value of 80%. In summary, the available evidence is currently insufficient to determine the role of this variant in disease. Therefore, it has been classified as a Variant of Uncertain Significance.

Ambry Genetics
Classification: Likely benign for Hereditary cancer-predisposing syndrome. Last evaluated: 2024-02-14. Review status: criteria provided, single submitter. Criteria: Ambry Variant Classification Scheme 2023. Collection method: clinical testing. Allele origin: germline.

Baylor Genetics
Classification: Uncertain significance for Autosomal recessive nonsyndromic hearing loss 97. Last evaluated: 2023-09-08. Review status: criteria provided, single submitter. Criteria: ACMG Guidelines, 2015. Collection method: clinical testing. Allele origin: unknown.

Laboratory of Molecular Epidemiology of Birth Defects, West China Second University Hospital, Sichuan University
Classification: Likely pathogenic for Ovarian cancer. Last evaluated: 2022-01-01. Review status: flagged submission. Criteria: ACMG Guidelines, 2015. Collection method: clinical testing. Allele origin: germline. Affected: yes. Not counted in ClinVar's aggregate classification.
ClinVar note: Reason: Outlier claim with insufficient supporting evidence